The following is an entry in ClinVar:

ClinVar aggregate classification (germline): Uncertain significance (1 of 4 stars; one submission).

Conditions:
Long QT syndrome (LQTS). Identifiers: MedGen C0023976, MeSH D008133, MONDO:0002442. Disease mechanism: loss of function. Inheritance: Various modes of inheritance.

Allele frequency attached by ClinVar (database versions not stated): gnomAD exomes below 0.00001.
gnomAD v4.1: 1 of 1,613,998 alleles (0.000062%); highest among the groups gnomAD compares: Non-Finnish European, 0.000085%; no homozygotes.

Submission:

Labcorp Genetics (formerly Invitae), Labcorp
Classification: Uncertain significance for Long QT syndrome. Last evaluated: 2019-03-26. Review status: criteria provided, single submitter. Criteria: Invitae Variant Classification Sherloc (09022015). Collection method: clinical testing. Allele origin: germline.
Comment: In summary, the available evidence is currently insufficient to determine the role of this variant in disease. Therefore, it has been classified as a Variant of Uncertain Significance. Algorithms developed to predict the effect of missense changes on protein structure and function are either unavailable or do not agree on the potential impact of this missense change (SIFT: "Deleterious"; PolyPhen-2: "Probably Damaging"; Align-GVGD: "Class C0"). This variant has not been reported in the literature in individuals with ANK2-related conditions. This variant is not present in population databases (ExAC no frequency). This sequence change replaces serine with isoleucine at codon 2926 of the ANK2 protein (p.Ser2926Ile). The serine residue is moderately conserved and there is a large physicochemical difference between serine and isoleucine.

NM_001148.6(ANK2):c.8777G>T (p.Ser2926Ile)

Gene: ANK2 (ankyrin 2; plus strand). Cytogenetic location: 4q26.
Variant type: single nucleotide variant.
Coding change: c.8777G>T on transcript NM_001148.6 (MANE Select); coding-DNA position 8777, G replaced by T.
Protein change: p.Ser2926Ile; replaces serine 2926 with isoleucine.
Molecular consequence: missense variant. On other transcripts: intron variant (68).
Genome position (GRCh38, 1-based): chr4:113,357,395, G>T. VCF-style: chr4-113357395-G-T. GRCh37 (hg19) VCF-style: chr4-114278551-G-T.
Other names: c.8543G>T, p.Ser2848Ile (NM_001386142.1); c.5177G>T, p.Ser1726Ile (NM_001386166.1); c.8918G>T, p.Ser2973Ile (NM_001386174.1); c.8894G>T, p.Ser2965Ile (NM_001386175.1); c.4412-3428G>T (NM_001386186.2, NM_001386148.2); c.4214-3428G>T (NM_001354269.3); c.4292-3428G>T (NM_001386187.2); c.4253-3428G>T (NM_001386147.1); and 35 more; short protein forms S2926I, S1726I, S2848I, S2965I, S2973I.
Identifiers: ClinVar variation 836088 (VCV000836088.6), dbSNP rs2095861720, ClinGen allele CA357934807.
Genomic context (GRCh38, chr4:113,357,395, plus strand): 5'-TGGATGTTCCCGTGTCTGACCTAGCTGAGAATGATGAAATCTATGATCCACAAATCACTA[G>T]CCCTTATGAAAATGTCCCTTCCCAATCTTTTTTCTCTAGTGAAGAAAGCAAAACCCAAAC-3'
Protein context (NP_001139.3, residues 2916-2936): NDEIYDPQIT[Ser2926Ile]PYENVPSQSF